The following is an entry in ClinVar:

NM_006939.4(SOS2):c.1181C>G (p.Pro394Arg)

Gene: SOS2 (SOS Ras/Rho guanine nucleotide exchange factor 2; minus strand). Cytogenetic location: 14q21.3.
Variant type: single nucleotide variant.
Coding change: c.1181C>G on transcript NM_006939.4 (MANE Select); coding-DNA position 1181, C replaced by G.
Protein change: p.Pro394Arg; replaces proline 394 with arginine.
Molecular consequence: missense variant.
Genome position (GRCh38, 1-based): chr14:50,161,497, G>C on the plus strand (C>G on the coding strand, the complement: SOS2 is on the minus strand). VCF-style: chr14-50161497-G-C. GRCh37 (hg19) VCF-style: chr14-50628215-G-C.
Other names: c.1082C>G, p.Pro361Arg (NM_001411020.1); short protein forms P361R, P394R.
Identifiers: ClinVar variation 3615494 (VCV003615494.2).

ClinVar aggregate classification (germline): Uncertain significance (1 of 4 stars; one submission).

Conditions:
Noonan syndrome 9 (NS9). Identifiers: Orphanet 648, MedGen C4225282, MONDO:0014691, OMIM 616559.

gnomAD v4.1: 1 of 1,612,968 alleles (0.000062%); highest among the groups gnomAD compares: African/African-American, 0.0013%; no homozygotes.

Submission:

Labcorp Genetics (formerly Invitae), Labcorp
Classification: Uncertain significance for Noonan syndrome 9. Last evaluated: 2024-03-18. Review status: criteria provided, single submitter. Criteria: Invitae Variant Classification Sherloc (09022015). Collection method: clinical testing. Allele origin: germline.
Comment: This sequence change replaces proline, which is neutral and non-polar, with arginine, which is basic and polar, at codon 394 of the SOS2 protein (p.Pro394Arg). This variant is not present in population databases (gnomAD no frequency). This variant has not been reported in the literature in individuals affected with SOS2-related conditions. Advanced modeling of protein sequence and biophysical properties (such as structural, functional, and spatial information, amino acid conservation, physicochemical variation, residue mobility, and thermodynamic stability) performed at Invitae indicates that this missense variant is not expected to disrupt SOS2 protein function with a negative predictive value of 80%. In summary, the available evidence is currently insufficient to determine the role of this variant in disease. Therefore, it has been classified as a Variant of Uncertain Significance.